The following is an entry in ClinVar:

ClinVar aggregate classification (germline): Pathogenic. Review status: criteria provided, single submitter (1 of 4 stars). 2 submissions from 2 submitters: Pathogenic (1). 1 of the submissions does not count toward it. Last evaluated 2021-12-11.

Conditions:
Multiple endocrine neoplasia, type 2 (MEN2). Identifiers: Orphanet 653, MedGen C4048306, MONDO:0019003. Disease mechanism: gain of function.
Multiple endocrine neoplasia type 2A. Also called: MULTIPLE ENDOCRINE NEOPLASIA, TYPE IIA; PTC SYNDROME; SIPPLE SYNDROME; MEN 2A; MEN-2A syndrome; Pheochromocytoma and amyloid producing medullary thyroid carcinoma. Identifiers: Orphanet 247698, Orphanet 653, MedGen C0025268, MeSH D018813, MONDO:0008234, OMIM 171400.

Submissions (2):

Labcorp Genetics (formerly Invitae), Labcorp
Classification: Pathogenic for Multiple endocrine neoplasia, type 2. Last evaluated: 2021-12-11. Review status: criteria provided, single submitter. Criteria: Invitae Variant Classification Sherloc (09022015). Collection method: clinical testing. Allele origin: germline.
Comment: For these reasons, this variant has been classified as Pathogenic. This variant disrupts the p.Cys611 amino acid residue in RET. Other variant(s) that disrupt this residue have been determined to be pathogenic (PMID: 8626834, 11331212, 20979234). This suggests that this residue is clinically significant, and that variants that disrupt this residue are likely to be disease-causing. Algorithms developed to predict the effect of missense changes on protein structure and function (SIFT, PolyPhen-2, Align-GVGD) all suggest that this variant is likely to be disruptive. ClinVar contains an entry for this variant (Variation ID: 13913). This missense change has been observed in individual(s) with clinical features of multiple endocrine neoplasia type 2 (PMID: 8103403, 20979234, 27809725, 30763276). It has also been observed to segregate with disease in related individuals. This variant is not present in population databases (gnomAD no frequency). This sequence change replaces cysteine, which is neutral and slightly polar, with tryptophan, which is neutral and slightly polar, at codon 611 of the RET protein (p.Cys611Trp).

OMIM
Classification: Pathogenic for MULTIPLE ENDOCRINE NEOPLASIA, TYPE IIA. Last evaluated: 1994-01-01. Review status: no assertion criteria provided. Collection method: literature only. Allele origin: germline. Not counted in ClinVar's aggregate classification.

Literature cited by the submitters: PubMed 8626834 (cited by Labcorp Genetics (formerly Invitae), Labcorp); PubMed 11331212 (cited by Labcorp Genetics (formerly Invitae), Labcorp); PubMed 20979234 (cited by Labcorp Genetics (formerly Invitae), Labcorp); PubMed 8103403 (cited by Labcorp Genetics (formerly Invitae), Labcorp and OMIM); PubMed 27809725 (cited by Labcorp Genetics (formerly Invitae), Labcorp); PubMed 30763276 (cited by Labcorp Genetics (formerly Invitae), Labcorp); PubMed 7907913 (cited by OMIM).

NM_020975.6(RET):c.1833C>G (p.Cys611Trp)

Gene: RET (ret proto-oncogene; plus strand). Cytogenetic location: 10q11.21.
Variant type: single nucleotide variant.
Coding change: c.1833C>G on transcript NM_020975.6 (MANE Select); coding-DNA position 1833, C replaced by G.
Protein change: p.Cys611Trp; replaces cysteine 611 with tryptophan.
Molecular consequence: missense variant.
Genome position (GRCh38, 1-based): chr10:43,113,629, C>G. VCF-style: chr10-43113629-C-G. GRCh37 (hg19) VCF-style: chr10-43609077-C-G.
Other names: c.1833C>G, p.Cys611Trp (NM_000323.2, NM_001406743.1, NM_001406744.1 and 6 more transcripts); c.1071C>G, p.Cys357Trp (NM_001355216.2); c.1704C>G, p.Cys568Trp (NM_001406761.1, NM_001406762.1, NM_001406764.1 and 1 more transcripts); c.1545C>G, p.Cys515Trp (NM_001406766.1, NM_001406767.1, NM_001406770.1); c.1437C>G, p.Cys479Trp (NM_001406769.1, NM_001406772.1); c.1395C>G, p.Cys465Trp (NM_001406771.1, NM_001406773.1); c.1308C>G, p.Cys436Trp (NM_001406774.1); c.1107C>G, p.Cys369Trp (NM_001406775.1, NM_001406776.1, NM_001406777.1 and 1 more transcripts); and 5 more; short protein forms C611W, C357W, C369W, C436W, C128W, C216W, C479W, C269W.
Identifiers: ClinVar variation 13913 (VCV000013913.8), dbSNP rs80069458, ClinGen allele CA007954.